The following is an entry in ClinVar:

ClinVar aggregate classification (germline): Uncertain significance (1 of 4 stars; one submission).

Allele frequency attached by ClinVar (database versions not stated): gnomAD exomes 0.00001; TOPMed 0.00006; gnomAD 0.00007; ESP Exome Variant Server 0.00008.
gnomAD v4.1: 16 of 1,614,044 alleles (0.00099%); highest among the groups gnomAD compares: African/African-American, 0.021%; no homozygotes.

Submission:

Labcorp Genetics (formerly Invitae), Labcorp
Classification: Uncertain significance. Last evaluated: 2024-10-14. Review status: criteria provided, single submitter. Criteria: Invitae Variant Classification Sherloc (09022015). Collection method: clinical testing. Allele origin: germline.
Comment: This sequence change replaces serine, which is neutral and polar, with asparagine, which is neutral and polar, at codon 1219 of the RP1 protein (p.Ser1219Asn). This variant is present in population databases (rs139588212, gnomAD 0.02%). This variant has not been reported in the literature in individuals affected with RP1-related conditions. An algorithm developed to predict the effect of missense changes on protein structure and function outputs the following: PolyPhen-2: "Benign". The asparagine amino acid residue is found in multiple mammalian species, which suggests that this missense change does not adversely affect protein function. In summary, the available evidence is currently insufficient to determine the role of this variant in disease. Therefore, it has been classified as a Variant of Uncertain Significance.

NM_006269.2(RP1):c.3656G>A (p.Ser1219Asn)

Gene: RP1 (RP1 axonemal microtubule associated; plus strand). Cytogenetic location: 8q12.1.
Variant type: single nucleotide variant.
Coding change: c.3656G>A on transcript NM_006269.2 (MANE Select); coding-DNA position 3656, G replaced by A.
Protein change: p.Ser1219Asn; replaces serine 1219 with asparagine.
Molecular consequence: missense variant. On other transcripts: intron variant (1).
Genome position (GRCh38, 1-based): chr8:54,627,538, G>A. VCF-style: chr8-54627538-G-A. GRCh37 (hg19) VCF-style: chr8-55540098-G-A.
Other names: c.787+5250G>A (NM_001375654.1); short protein forms S1219N.
Identifiers: ClinVar variation 2966381 (VCV002966381.3), dbSNP rs139588212, ClinGen allele CA177237707.